The following is an entry in ClinVar:

NM_001458.5(FLNC):c.1949G>A (p.Arg650Gln)

Gene: FLNC (filamin C; plus strand). Cytogenetic location: 7q32.1.
Variant type: single nucleotide variant.
Coding change: c.1949G>A on transcript NM_001458.5 (MANE Select); coding-DNA position 1949, G replaced by A.
Protein change: p.Arg650Gln; replaces arginine 650 with glutamine.
Molecular consequence: missense variant.
Genome position (GRCh38, 1-based): chr7:128,841,305, G>A. VCF-style: chr7-128841305-G-A. GRCh37 (hg19) VCF-style: chr7-128481359-G-A.
Other names: c.1949G>A, p.Arg650Gln (NM_001127487.2); short protein forms R650Q.
Identifiers: ClinVar variation 1783174 (VCV001783174.7), dbSNP rs776688537, ClinGen allele CA4474539.
Genomic context (GRCh38, chr7:128,841,305, plus strand): 5'-ACTGGCCCACGGAGCCTGGGGAGTACGCTGTGCACGTCATCTGTGACGATGAGGACATCC[G>A]AGACTCACCCTTCATTGCCCACATCCTGCCCGCCCCACCTGACTGCTTCCCAGATAAGGT-3'
Protein context (NP_001449.3, residues 640-660): VHVICDDEDI[Arg650Gln]DSPFIAHILP

ClinVar aggregate classification (germline): Uncertain significance. Review status: criteria provided, multiple submitters, no conflicts (2 of 4 stars). 3 submissions from 3 submitters: Uncertain significance (3). Last evaluated 2026-01-19.

Conditions:
Distal myopathy with posterior leg and anterior hand involvement. Also called: WILLIAMS DISTAL MYOPATHY. Identifiers: Orphanet 63273, MedGen C3279722, MONDO:0013550, OMIM 614065.
Hypertrophic cardiomyopathy 26. Also called: Cardiomyopathy, familial hypertrophic, 26. Identifiers: Orphanet 75249, MedGen C4310749, MONDO:0014883, OMIM 617047.
Myofibrillar myopathy 5. Also called: Filaminopathy (type); FILAMINOPATHY, AUTOSOMAL DOMINANT. Identifiers: Orphanet 171445, MedGen C1836050, MONDO:0012289, OMIM 609524.
Cardiovascular phenotype. Identifiers: MedGen CN230736.

Allele frequency attached by ClinVar (database versions not stated): TOPMed below 0.00001; gnomAD 0.00001; gnomAD exomes 0.00001; ExAC 0.00004.

Submissions (3):

Labcorp Genetics (formerly Invitae), Labcorp
Classification: Uncertain significance for Distal myopathy with posterior leg and anterior hand involvement; Myofibrillar myopathy 5; Hypertrophic cardiomyopathy 26. Last evaluated: 2026-01-19. Review status: criteria provided, single submitter. Criteria: Invitae Variant Classification Sherloc (09022015). Collection method: clinical testing. Allele origin: germline.
Comment: This sequence change replaces arginine, which is basic and polar, with glutamine, which is neutral and polar, at codon 650 of the FLNC protein (p.Arg650Gln). This variant is present in population databases (rs776688537, gnomAD 0.004%). This variant has not been reported in the literature in individuals affected with FLNC-related conditions. ClinVar contains an entry for this variant (Variation ID: 1783174). Invitae Evidence Modeling of protein sequence and biophysical properties (such as structural, functional, and spatial information, amino acid conservation, physicochemical variation, residue mobility, and thermodynamic stability) has been performed for this missense variant. However, the output from this modeling did not meet the statistical confidence thresholds required to predict the impact of this variant on FLNC protein function. In summary, the available evidence is currently insufficient to determine the role of this variant in disease. Therefore, it has been classified as a Variant of Uncertain Significance.

Ambry Genetics
Classification: Uncertain significance for Cardiovascular phenotype. Last evaluated: 2025-05-18. Review status: criteria provided, single submitter. Criteria: Ambry Variant Classification Scheme 2023. Collection method: clinical testing. Allele origin: germline.
Comment: The p.R650Q variant (also known as c.1949G>A), located in coding exon 12 of the FLNC gene, results from a G to A substitution at nucleotide position 1949. The arginine at codon 650 is replaced by glutamine, an amino acid with highly similar properties. This amino acid position is conserved. In addition, this alteration is predicted to be tolerated by in silico analysis. Since supporting evidence is limited at this time, the clinical significance of this alteration remains unclear.

Molecular Diagnostic Laboratory for Inherited Cardiovascular Disease, Montreal Heart Institute
Classification: Uncertain significance for Cardiovascular phenotype. Last evaluated: 2025-04-09. Review status: criteria provided, single submitter. Criteria: ACMG Guidelines, 2015. Collection method: clinical testing. Allele origin: germline. Affected: yes.